The following is an entry in ClinVar:

NM_001457.4(FLNB):c.7021+5G>C

Gene: FLNB (filamin B; plus strand). Cytogenetic location: 3p14.3.
Variant type: single nucleotide variant.
Coding change: c.7021+5G>C on transcript NM_001457.4 (MANE Select); 5 bases into the intron after coding-DNA position 7021, G replaced by C.
Molecular consequence: intron variant.
Genome position (GRCh38, 1-based): chr3:58,159,691, G>C. VCF-style: chr3-58159691-G-C. GRCh37 (hg19) VCF-style: chr3-58145418-G-C.
Other names: c.7114+5G>C (NM_001164317.2); c.6988+5G>C (NM_001164318.2); c.6949+5G>C (NM_001164319.2).
Identifiers: ClinVar variation 3669823 (VCV003669823.2).

ClinVar aggregate classification (germline): Uncertain significance (1 of 4 stars; one submission).

gnomAD v4.1: 1 of 1,612,890 alleles (0.000062%); highest among the groups gnomAD compares: Non-Finnish European, 0.000085%; no homozygotes.

Submission:

Labcorp Genetics (formerly Invitae), Labcorp
Classification: Uncertain significance. Last evaluated: 2024-10-17. Review status: criteria provided, single submitter. Criteria: Invitae Variant Classification Sherloc (09022015). Collection method: clinical testing. Allele origin: germline.
Comment: This sequence change falls in intron 42 of the FLNB gene. It does not directly change the encoded amino acid sequence of the FLNB protein. It affects a nucleotide within the consensus splice site. This variant is not present in population databases (gnomAD no frequency). This variant has not been reported in the literature in individuals affected with FLNB-related conditions. Variants that disrupt the consensus splice site are a relatively common cause of aberrant splicing (PMID: 17576681, 9536098). Algorithms developed to predict the effect of sequence changes on RNA splicing suggest that this variant may disrupt the consensus splice site. In summary, the available evidence is currently insufficient to determine the role of this variant in disease. Therefore, it has been classified as a Variant of Uncertain Significance.

Literature cited by the submitters: PubMed 17576681; PubMed 9536098.